The following is an entry in ClinVar:

ClinVar aggregate classification (germline): Pathogenic (1 of 4 stars; one submission).

gnomAD v4.1: 1 of 1,613,084 alleles (0.000062%); no homozygotes.

Submission:

Labcorp Genetics (formerly Invitae), Labcorp
Classification: Pathogenic. Last evaluated: 2023-01-16. Review status: criteria provided, single submitter. Criteria: Invitae Variant Classification Sherloc (09022015). Collection method: clinical testing. Allele origin: germline.
Comment: This sequence change creates a premature translational stop signal (p.Tyr2214*) in the USH2A gene. It is expected to result in an absent or disrupted protein product. Loss-of-function variants in USH2A are known to be pathogenic (PMID: 10729113, 10909849, 20507924, 25649381). For these reasons, this variant has been classified as Pathogenic. This variant has not been reported in the literature in individuals affected with USH2A-related conditions. This variant is not present in population databases (gnomAD no frequency).

Literature cited by the submitters: PubMed 10729113; PubMed 10909849; PubMed 20507924; PubMed 25649381.

NM_206933.4(USH2A):c.6642T>A (p.Tyr2214Ter)

Gene: USH2A (usherin; minus strand). Cytogenetic location: 1q41.
Variant type: single nucleotide variant.
Coding change: c.6642T>A on transcript NM_206933.4 (MANE Select); coding-DNA position 6642, T replaced by A.
Protein change: p.Tyr2214Ter; replaces tyrosine 2214 with a stop codon.
Molecular consequence: nonsense.
Genome position (GRCh38, 1-based): chr1:215,998,902, A>T on the plus strand (T>A on the coding strand, the complement: USH2A is on the minus strand). VCF-style: chr1-215998902-A-T. GRCh37 (hg19) VCF-style: chr1-216172244-A-T.
Other names: short protein forms Y2214*.
Identifiers: ClinVar variation 3010561 (VCV003010561.3), dbSNP rs2527618864, ClinGen allele CA344860905.